The following continues an entry in ClinVar:

NM_024675.4(PALB2):c.1010T>C (p.Leu337Ser)

Gene: PALB2. ClinVar aggregate classification (germline): Conflicting classifications of pathogenicity. Uncertain significance (1); Benign (16); Likely benign (1).

Submissions 25 to 30 of 30:

Department of Pathology and Laboratory Medicine, Sinai Health System
Classification: Likely benign for Malignant tumor of breast. Review status: no assertion criteria provided. Collection method: clinical testing. Allele origin: unknown. Affected: yes. Observed: 71 variant alleles. Study: The Canadian Open Genetics Repository (COGR). Not counted in ClinVar's aggregate classification.
Comment: The PALB2 p.Leu337Ser variant was identified in 190 of 11072 proband chromosomes (frequency: 0.0175) from individuals or families with CMM, breast, ovarian cancer, and was present in 98 of 6466 control chromosomes (frequency: 0.015) from healthy individuals (Aoude 2014, Catucci 2014, Garcia 2009, Nguyen-Dumont 2013, Tischkowitz 2012, Teo 2013, Prokofyeva 2012, Wong-Brown 2014, Zheng 2012). The variant was also identified in dbSNP (ID: rs45494092) as â€šÃ„ÃºWith other allele,â€šÃ„Ã¹ ClinVar (classified as benign by Ambry Genetics, Vantari Genetics, Color Genomics, DGDCHP, PreventionGenetics, Counsyl, Invitae, GeneDx, Pathway Genomics; classified as likely benign by Illumina; classified as uncertain significance by CGLPMCC, PALB2 database), Clinvitae (classified with conflicting interpretations of pathogenicity by ClinVar), LOVD 3.0, databases. The variant was not identified in Cosmic, MutDB, Zhejiang Colon Cancer Database, databases. The variant was identified in control databases in 42189 (43 homozygous) of 276766 chromosomes at a frequency of 0.01524 increasing the likelihood this could be a low frequency benign variant (Genome Aggregation Consortium Feb 27, 2017). The p.Leu337 residue is conserved in mammals but not in more distantly related organisms however four out of five computational analyses (PolyPhen-2, SIFT, AlignGVGD, BLOSUM, MutationTaster) do not suggest a high likelihood of impact to the protein; this information is not predictive enough to rule out pathogenicity. The variant occurs outside of the splicing consensus sequence and in silico or computational prediction software programs (SpliceSiteFinder, MaxEntScan, NNSPLICE, GeneSplicer, HumanSpliceFinder) do not predict a difference in splicing. In summary, based on the above information, the clinical significance of this variant cannot be determined with certainty at this time although we would lean towards a more benign role for this variant. This variant is classified as likely benign.

Diagnostic Laboratory, Department of Genetics, University Medical Center Groningen
Classification: Benign. Review status: no assertion criteria provided. Collection method: clinical testing. Allele origin: germline. Affected: yes. Study: VKGL Data-share Consensus. Not counted in ClinVar's aggregate classification.

Genome Diagnostics Laboratory, Amsterdam University Medical Center
Classification: Likely benign. Review status: no assertion criteria provided. Collection method: clinical testing. Allele origin: germline. Affected: yes. Study: VKGL Data-share Consensus. Not counted in ClinVar's aggregate classification.

Genome Diagnostics Laboratory, University Medical Center Utrecht
Classification: Likely benign. Review status: no assertion criteria provided. Collection method: clinical testing. Allele origin: germline. Affected: yes. Study: VKGL Data-share Consensus. Not counted in ClinVar's aggregate classification.

Joint Genome Diagnostic Labs from Nijmegen and Maastricht, Radboudumc and MUMC+
Classification: Benign. Review status: no assertion criteria provided. Collection method: clinical testing. Allele origin: germline. Affected: yes. Study: VKGL Data-share Consensus. Not counted in ClinVar's aggregate classification.

Laboratory of Diagnostic Genome Analysis, Leiden University Medical Center (LUMC)
Classification: Likely benign. Review status: no assertion criteria provided. Collection method: clinical testing. Allele origin: germline. Affected: yes. Study: VKGL Data-share Consensus. Not counted in ClinVar's aggregate classification.

Literature cited by the submitters: PubMed 17200668 (cited by 3 submitters); PubMed 17287723 (cited by 3 submitters); PubMed 17420451 (cited by Leiden Open Variation Database); PubMed 18288683 (cited by Leiden Open Variation Database); PubMed 18302019 (cited by Leiden Open Variation Database); PubMed 20927582 (cited by Leiden Open Variation Database); PubMed 21356067 (cited by Leiden Open Variation Database); PubMed 21365267 (cited by Leiden Open Variation Database); PubMed 21409391 (cited by Leiden Open Variation Database); PubMed 21618343 (cited by Leiden Open Variation Database and Counsyl); PubMed 21932393 (cited by Leiden Open Variation Database); PubMed 22052327 (cited by Leiden Open Variation Database); PubMed 22241545 (cited by Leiden Open Variation Database); PubMed 22310028 (cited by Leiden Open Variation Database); PubMed 22692731 (cited by Leiden Open Variation Database); PubMed 23448497 (cited by Leiden Open Variation Database and Counsyl); PubMed 23824750 (cited by Leiden Open Variation Database); PubMed 23935836 (cited by Leiden Open Variation Database); PubMed 24206657 (cited by Leiden Open Variation Database); PubMed 24556926 (cited by 3 submitters); PubMed 24949998 (cited by Leiden Open Variation Database); PubMed 24728327 (cited by ITMI).